The following is an entry in ClinVar:

ClinVar aggregate classification (germline): Uncertain significance. Review status: criteria provided, multiple submitters, no conflicts (2 of 4 stars). 2 submissions from 2 submitters: Uncertain significance (2). Last evaluated 2022-07-03.

Conditions:
H syndrome. Also called: FAISALABAD HISTIOCYTOSIS; HISTIOCYTOSIS AND LYMPHADENOPATHY WITH OR WITHOUT CUTANEOUS, CARDIAC, AND/OR ENDOCRINE FEATURES, JOINT CONTRACTURES, AND/OR DEAFNESS; HYPERPIGMENTATION, CUTANEOUS, WITH HYPERTRICHOSIS, HEPATOSPLENOMEGALY, HEART ANOMALIES, AND HYPOGONADISM WITH OR WITHOUT HEARING LOSS; PIGMENTED HYPERTRICHOSIS WITH INSULIN-DEPENDENT DIABETES MELLITUS; ROSAI-DORFMAN DISEASE, FAMILIAL; SINUS HISTIOCYTOSIS AND MASSIVE LYMPHADENOPATHY. Identifiers: Orphanet 168569, MedGen C1864445, MONDO:0011273, OMIM 602782.

Allele frequency attached by ClinVar (database versions not stated): gnomAD 0.00001 and 0.00005; gnomAD exomes 0.00006; ExAC 0.00007.
gnomAD v4.1: 56 of 1,613,986 alleles (0.0035%); highest among the groups gnomAD compares: South Asian, 0.056%; no homozygotes.

Submissions (2):

Labcorp Genetics (formerly Invitae), Labcorp
Classification: Uncertain significance for H syndrome. Last evaluated: 2022-07-03. Review status: criteria provided, single submitter. Criteria: Invitae Variant Classification Sherloc (09022015). Collection method: clinical testing. Allele origin: germline.
Comment: This sequence change replaces glycine, which is neutral and non-polar, with serine, which is neutral and polar, at codon 336 of the SLC29A3 protein (p.Gly336Ser). This variant is present in population databases (rs769377761, gnomAD 0.05%). In summary, the available evidence is currently insufficient to determine the role of this variant in disease. Therefore, it has been classified as a Variant of Uncertain Significance. Algorithms developed to predict the effect of missense changes on protein structure and function (SIFT, PolyPhen-2, Align-GVGD) all suggest that this variant is likely to be tolerated. ClinVar contains an entry for this variant (Variation ID: 806501). This variant has not been reported in the literature in individuals affected with SLC29A3-related conditions.

CeGaT Center for Human Genetics Tuebingen
Classification: Uncertain significance. Last evaluated: 2017-05-01. Review status: criteria provided, single submitter. Criteria: CeGaT Center For Human Genetics Tuebingen Variant Classification Criteria Version 2. Collection method: clinical testing. Allele origin: germline. Affected: yes. Observed: 1 variant allele.

NM_018344.6(SLC29A3):c.1006G>A (p.Gly336Ser)

Gene: SLC29A3 (solute carrier family 29 member 3; plus strand). Cytogenetic location: 10q22.1.
Variant type: single nucleotide variant.
Coding change: c.1006G>A on transcript NM_018344.6 (MANE Select); coding-DNA position 1006, G replaced by A.
Protein change: p.Gly336Ser; replaces glycine 336 with serine.
Molecular consequence: missense variant. On other transcripts: 3 prime UTR variant (1), non-coding transcript variant (2).
Genome position (GRCh38, 1-based): chr10:71,362,186, G>A. VCF-style: chr10-71362186-G-A. GRCh37 (hg19) VCF-style: chr10-73121943-G-A.
Other names: c.*235G>A (NM_001174098.2); c.772G>A, p.Gly258Ser (NM_001363518.2); short protein forms G336S, G258S.
Identifiers: ClinVar variation 806501 (VCV000806501.46), dbSNP rs769377761, ClinGen allele CA5543109.